The following is an entry in ClinVar:

NM_000256.3(MYBPC3):c.1442G>C (p.Gly481Ala)

Gene: MYBPC3 (myosin binding protein C3; minus strand). Cytogenetic location: 11p11.2.
Variant type: single nucleotide variant.
Coding change: c.1442G>C on transcript NM_000256.3 (MANE Select); coding-DNA position 1442, G replaced by C.
Protein change: p.Gly481Ala; replaces glycine 481 with alanine.
Molecular consequence: missense variant.
Genome position (GRCh38, 1-based): chr11:47,342,845, C>G on the plus strand (G>C on the coding strand, the complement: MYBPC3 is on the minus strand). VCF-style: chr11-47342845-C-G. GRCh37 (hg19) VCF-style: chr11-47364396-C-G.
Other names: short protein forms G481A.
Identifiers: ClinVar variation 3011486 (VCV003011486.4), dbSNP rs773237942, ClinGen allele CA380325538.

ClinVar aggregate classification (germline): Uncertain significance. Review status: criteria provided, multiple submitters, no conflicts (2 of 4 stars). 2 submissions from 2 submitters: Uncertain significance (2). Last evaluated 2026-04-01.

Conditions:
Hypertrophic cardiomyopathy. Also called: HYPERTROPHIC MYOCARDIOPATHY. Identifiers: Orphanet 217569, MedGen C0007194, MeSH D002312, MONDO:0005045, HP:0001639.

Submissions (2):

GeneDx
Classification: Uncertain significance. Last evaluated: 2026-04-01. Review status: criteria provided, single submitter. Criteria: GeneDx Variant Classification Process June 2021. Collection method: clinical testing. Allele origin: germline.
Comment: Not observed at significant frequency in large population cohorts (gnomAD); In silico analysis supports that this missense variant has a deleterious effect on protein structure/function; Has not been previously published as pathogenic or benign to our knowledge

Labcorp Genetics (formerly Invitae), Labcorp
Classification: Uncertain significance for Hypertrophic cardiomyopathy. Last evaluated: 2026-02-02. Review status: criteria provided, single submitter. Criteria: Invitae Variant Classification Sherloc (09022015). Collection method: clinical testing. Allele origin: germline.
Comment: This sequence change replaces glycine, which is neutral and non-polar, with alanine, which is neutral and non-polar, at codon 481 of the MYBPC3 protein (p.Gly481Ala). This variant is not present in population databases (gnomAD no frequency). This variant has not been reported in the literature in individuals affected with MYBPC3-related conditions. ClinVar contains an entry for this variant (Variation ID: 3011486). An algorithm developed to predict the effect of missense changes on protein structure and function (PolyPhen-2) suggests that this variant is likely to be disruptive. In summary, the available evidence is currently insufficient to determine the role of this variant in disease. Therefore, it has been classified as a Variant of Uncertain Significance.